The following is an entry in ClinVar:

ClinVar aggregate classification (germline): Likely benign (1 of 4 stars; one submission).

gnomAD v4.1: 1 of 1,614,176 alleles (0.000062%); highest among the groups gnomAD compares: Non-Finnish European, 0.000085%; no homozygotes.

Submission:

CeGaT Center for Human Genetics Tuebingen
Classification: Likely benign. Last evaluated: 2026-06-01. Review status: criteria provided, single submitter. Criteria: CeGaT Center For Human Genetics Tuebingen Variant Classification Criteria Version 2. Collection method: clinical testing. Allele origin: germline. Affected: yes. Observed: 1 variant allele.
Comment: ERMARD: BP4, BP7

NM_018341.3(ERMARD):c.222G>T (p.Val74=)

Gene: ERMARD (ER membrane associated RNA degradation; plus strand). Cytogenetic location: 6q27.
Variant type: single nucleotide variant.
Coding change: c.222G>T on transcript NM_018341.3 (MANE Select); coding-DNA position 222, G replaced by T.
Protein change: p.Val74=; no amino-acid change (valine 74 retained).
Molecular consequence: synonymous variant. On other transcripts: 5 prime UTR variant (2).
Genome position (GRCh38, 1-based): chr6:169,755,329, G>T. VCF-style: chr6-169755329-G-T. GRCh37 (hg19) VCF-style: chr6-170155425-G-T.
Other names: c.222G>T, p.Val74= (NM_001278531.2, NM_001278533.2); c.-157G>T (NM_001278532.2, NM_001410957.1).
Identifiers: ClinVar variation 4875260 (VCV004875260.2).